The following is an entry in ClinVar:

ClinVar aggregate classification (germline): Likely benign. Review status: criteria provided, single submitter (1 of 4 stars). 2 submissions from 2 submitters: Likely benign (1). 1 of the submissions does not count toward it. Last evaluated 2025-11-14.

Conditions:
PRDM5-related disorder. Also called: PRDM5-related condition.

Allele frequency attached by ClinVar (database versions not stated): TOPMed below 0.00001; gnomAD 0.00001.
gnomAD v4.1: 6 of 1,613,086 alleles (0.00037%); highest among the groups gnomAD compares: African/African-American, 0.0013%; no homozygotes.

Submissions (2):

Women's Health and Genetics/Laboratory Corporation of America, LabCorp
Classification: Likely benign. Last evaluated: 2025-11-14. Review status: criteria provided, single submitter. Criteria: LabCorp Variant Classification Summary - May 2015. Collection method: clinical testing. Allele origin: germline.

PreventionGenetics, part of Exact Sciences
Classification: Likely benign for PRDM5-related condition. Last evaluated: 2022-08-26. Review status: no assertion criteria provided. Collection method: clinical testing. Allele origin: germline. Not counted in ClinVar's aggregate classification.
Comment: This variant is classified as likely benign based on ACMG/AMP sequence variant interpretation guidelines (Richards et al. 2015 PMID: 25741868, with internal and published modifications).

NM_018699.4(PRDM5):c.1872C>A (p.Ile624=)

Gene: PRDM5 (PR/SET domain 5; minus strand). Cytogenetic location: 4q27.
Variant type: single nucleotide variant.
Coding change: c.1872C>A on transcript NM_018699.4 (MANE Select); coding-DNA position 1872, C replaced by A.
Protein change: p.Ile624=; no amino-acid change (isoleucine 624 retained).
Molecular consequence: synonymous variant. On other transcripts: 3 prime UTR variant (1).
Genome position (GRCh38, 1-based): chr4:120,695,132, G>T on the plus strand (C>A on the coding strand, the complement: PRDM5 is on the minus strand). VCF-style: chr4-120695132-G-T. GRCh37 (hg19) VCF-style: chr4-121616287-G-T.
Other names: c.1779C>A, p.Ile593= (NM_001300823.2); c.*187C>A (NM_001300824.2); c.1905C>A, p.Ile635= (NM_001379104.1); c.1674C>A, p.Ile558= (NM_001379106.1).
Identifiers: ClinVar variation 3029831 (VCV003029831.3), dbSNP rs776010069, ClinGen allele CA441082796.